The following is an entry in ClinVar:

ClinVar aggregate classification (germline): Uncertain significance. Review status: criteria provided, multiple submitters, no conflicts (2 of 4 stars). 2 submissions from 2 submitters: Uncertain significance (2). Last evaluated 2025-08-10.

Allele frequency attached by ClinVar (database versions not stated): gnomAD exomes 0.00001; ExAC 0.00002; TOPMed 0.00005; gnomAD 0.00006 and 0.00007; ESP Exome Variant Server 0.00015.
gnomAD v4.1: 17 of 1,612,220 alleles (0.0011%); highest among the groups gnomAD compares: African/African-American, 0.019%; no homozygotes.

Submissions (2):

Ambry Genetics
Classification: Uncertain significance. Last evaluated: 2025-08-10. Review status: criteria provided, single submitter. Criteria: Ambry Variant Classification Scheme 2023. Collection method: clinical testing. Allele origin: germline.

Labcorp Genetics (formerly Invitae), Labcorp
Classification: Uncertain significance. Last evaluated: 2024-01-16. Review status: criteria provided, single submitter. Criteria: Invitae Variant Classification Sherloc (09022015). Collection method: clinical testing. Allele origin: germline.
Comment: This sequence change replaces arginine, which is basic and polar, with lysine, which is basic and polar, at codon 882 of the SUCO protein (p.Arg882Lys). This variant is present in population databases (rs147589150, gnomAD 0.02%). This variant has not been reported in the literature in individuals affected with SUCO-related conditions. ClinVar contains an entry for this variant (Variation ID: 1397670). An algorithm developed to predict the effect of missense changes on protein structure and function (PolyPhen-2) suggests that this variant is likely to be disruptive. In summary, the available evidence is currently insufficient to determine the role of this variant in disease. Therefore, it has been classified as a Variant of Uncertain Significance.

NM_014283.5(SUCO):c.2645G>A (p.Arg882Lys)

Gene: SUCO (SUN domain containing ossification factor; plus strand). Cytogenetic location: 1q24.3.
Variant type: single nucleotide variant.
Coding change: c.2645G>A on transcript NM_014283.5 (MANE Select); coding-DNA position 2645, G replaced by A.
Protein change: p.Arg882Lys; replaces arginine 882 with lysine.
Molecular consequence: missense variant. On other transcripts: intron variant (1).
Genome position (GRCh38, 1-based): chr1:172,589,746, G>A. VCF-style: chr1-172589746-G-A. GRCh37 (hg19) VCF-style: chr1-172558886-G-A.
Other names: c.956G>A, p.Arg319Lys (NM_001282751.2); c.3098G>A, p.Arg1033Lys (NM_016227.4); c.1712+822G>A (NM_001282750.2); c.2645G>A (NM_014283.3); short protein forms R319K, R1033K, R882K.
Identifiers: ClinVar variation 1397670 (VCV001397670.9), dbSNP rs147589150, ClinGen allele CA1247121.
Genomic context (GRCh38, chr1:172,589,746, plus strand): 5'-TACCTGAAGTAAAAGAAGAAGAACAGTCTCCAGAAGATGCCCTTTTGAGAGGGTTACAGA[G>A]GACAGCTACAGATTTTTATGCTGAATTGCAAAATTCTACAGATCTAGGATATGCTAATGG-3'
Protein context (NP_055098.1, residues 872-892): PEDALLRGLQ[Arg882Lys]TATDFYAELQ